The following is an entry in ClinVar:

NM_001430.5(EPAS1):c.656T>A (p.Leu219Gln)

Genes: EPAS1 (endothelial PAS domain protein 1; plus strand), LOC126806210 (BRD4-independent group 4 enhancer GRCh37_chr2:46587586-46588785; plus strand). Cytogenetic location: 2p21.
Variant type: single nucleotide variant.
Coding change: c.656T>A on transcript NM_001430.5 (MANE Select); coding-DNA position 656, T replaced by A.
Protein change: p.Leu219Gln; replaces leucine 219 with glutamine.
Molecular consequence: missense variant.
Genome position (GRCh38, 1-based): chr2:46,360,967, T>A. VCF-style: chr2-46360967-T-A. GRCh37 (hg19) VCF-style: chr2-46588106-T-A.
Other names: short protein forms L219Q.
Identifiers: ClinVar variation 2497569 (VCV002497569.2), dbSNP rs2546455439, ClinGen allele CA346700033.

ClinVar aggregate classification (germline): Uncertain significance (1 of 4 stars; one submission).

Conditions:
Inborn genetic diseases. Identifiers: MedGen C0950123, MeSH D030342.

Submission:

Ambry Genetics
Classification: Uncertain significance for Inborn genetic diseases. Last evaluated: 2023-03-05. Review status: criteria provided, single submitter. Criteria: Ambry Variant Classification Scheme 2023. Collection method: clinical testing. Allele origin: germline.
Comment: The p.L219Q variant (also known as c.656T>A), located in coding exon 6 of the EPAS1 gene, results from a T to A substitution at nucleotide position 656. The leucine at codon 219 is replaced by glutamine, an amino acid with dissimilar properties. This amino acid position is conserved. In addition, this alteration is predicted to be tolerated by in silico analysis. Since supporting evidence is limited at this time, the clinical significance of this alteration remains unclear.